The following is an entry in ClinVar:

ClinVar aggregate classification (germline): Likely pathogenic. Review status: criteria provided, multiple submitters, no conflicts (2 of 4 stars). 2 submissions from 2 submitters: Likely pathogenic (2). Last evaluated 2025-06-25.

Conditions:
Dilated cardiomyopathy 1G (CMD1G). Identifiers: Orphanet 154, MedGen C1858763, MONDO:0011400, OMIM 604145.

Submissions (2):

GeneDx
Classification: Likely pathogenic. Last evaluated: 2025-06-25. Review status: criteria provided, single submitter. Criteria: GeneDx Variant Classification Process June 2021. Collection method: clinical testing. Allele origin: germline. Affected: yes.
Comment: Frameshift variant predicted to result in protein truncation or nonsense mediated decay in a gene for which loss of function is a known mechanism of disease; Not observed at significant frequency in large population cohorts (gnomAD); Has not been previously published as pathogenic or benign to our knowledge; Located in the M-band, a region of TTN for which truncating variants are significantly associated with autosomal recessive skeletal myopathies and also with autosomal dominant cardiomyopathy (PMID: 17444505, 32778822, 36637017); This variant is associated with the following publications: (PMID: 17444505, 32778822, 36637017)

Variantyx, Inc.
Classification: Likely pathogenic for Dilated cardiomyopathy 1G. Last evaluated: 2025-04-06. Review status: criteria provided, single submitter. Criteria: Variantyx Assertion Criteria 2022. Collection method: clinical testing. Allele origin: paternal. Inheritance: Autosomal dominant inheritance. Affected: yes.
Comment: This is a frameshift variant in the TTN gene (OMIM: 188840). Pathogenic variants in this gene have been associated with autosomal dominant dilated cardiomyopathy 1G. This variant introduces a premature termination codon in exon 358 out of 363 and is expected to result in loss of function, which is a known disease mechanism for TTN in this disorder (PMID: 38938651) (PVS1). This variant is absent from control populations (PM2). Based on the current evidence, this variant is classified as likely pathogenic for autosomal dominant dilated cardiomyopathy 1G.

Literature cited by the submitters: PubMed 38938651 (cited by Variantyx, Inc.).

NM_001267550.2(TTN):c.105869_105870dup (p.Phe35291fs)

Genes: TTN (titin; minus strand), TTN-AS1 (TTN antisense RNA 1; plus strand), LOC129935183 (ATAC-STARR-seq lymphoblastoid active region 16808; plus strand). Cytogenetic location: 2q31.2.
Variant type: Duplication.
Coding change: c.105869_105870dup on transcript NM_001267550.2 (MANE Select); coding-DNA positions 105869 to 105870, 2 bases duplicated (AG; older notation c.105869_105870dupAG).
Protein change: p.Phe35291fs; shifts the reading frame from phenylalanine 35291.
Molecular consequence: frameshift variant.
Genome position (GRCh38, 1-based): chr2:178,530,745-178,530,746, CT duplicated on the plus strand (AG on the coding strand, the reverse complement: TTN is on the minus strand). VCF-style (leftmost placement, unchanged base first): chr2-178530744-A-ACT. GRCh37 (hg19) VCF-style: chr2-179395471-A-ACT.
Other names: c.100946_100947dup, p.Phe33650fs (NM_001256850.1); c.78674_78675dup, p.Phe26226fs (NM_003319.4); c.98165_98166dup, p.Phe32723fs (NM_133378.4); c.79049_79050dup, p.Phe26351fs (NM_133432.3); c.79250_79251dup, p.Phe26418fs (NM_133437.4); short protein forms F26226fs, F26351fs, F26418fs, F32723fs, F33650fs, F35291fs.
Identifiers: ClinVar variation 4540026 (VCV004540026.2).